The following is an entry in ClinVar:

NC_000012.12:g.40444415G>A

Gene: MUC19 (mucin 19, oligomeric (gene/pseudogene); plus strand). Cytogenetic location: 12q12.
Variant type: single nucleotide variant.
Genome position: GRCh38 VCF-style: chr12-40444415-G-A. GRCh37 (hg19) VCF-style: chr12-40838217-G-A.
Identifiers: ClinVar variation 2642862 (VCV002642862.24), dbSNP rs201032823, ClinGen allele CA6515543.

ClinVar aggregate classification (germline): Likely benign (1 of 4 stars; one submission).

Allele frequency attached by ClinVar (database versions not stated): gnomAD exomes 0.00012; TOPMed 0.00016; gnomAD 0.00019; ExAC 0.00047.

Submission:

CeGaT Center for Human Genetics Tuebingen
Classification: Likely benign. Last evaluated: 2022-06-01. Review status: criteria provided, single submitter. Criteria: CeGaT Center For Human Genetics Tuebingen Variant Classification Criteria Version 2. Collection method: clinical testing. Allele origin: germline. Affected: yes. Observed: 1 variant allele.
Comment: MUC19: BP4, BP7